The following is an entry in ClinVar:

ClinVar aggregate classification (germline): Uncertain significance (1 of 4 stars; one submission).

Conditions:
Pallister-Hall syndrome (PHS). Also called: GLI3-Related Pallister-Hall Syndrome; HYPOTHALAMIC HAMARTOBLASTOMA, HYPOPITUITARISM, IMPERFORATE ANUS, AND POSTAXIAL POLYDACTYLY. Identifiers: Orphanet 672, MedGen C0265220, MONDO:0007804, OMIM 146510.
Greig cephalopolysyndactyly syndrome (GCPS). Also called: GLI3-Related Greig Cephalopolysyndactyly Syndrome; POLYSYNDACTYLY WITH PECULIAR SKULL SHAPE; Greig syndrome. Identifiers: Orphanet 380, MedGen C0265306, MONDO:0008287, OMIM 175700.

Submission:

Labcorp Genetics (formerly Invitae), Labcorp
Classification: Uncertain significance for Pallister-Hall syndrome; Greig cephalopolysyndactyly syndrome. Last evaluated: 2023-01-12. Review status: criteria provided, single submitter. Criteria: Invitae Variant Classification Sherloc (09022015). Collection method: clinical testing. Allele origin: germline.
Comment: In summary, the available evidence is currently insufficient to determine the role of this variant in disease. Therefore, it has been classified as a Variant of Uncertain Significance. Advanced modeling of protein sequence and biophysical properties (such as structural, functional, and spatial information, amino acid conservation, physicochemical variation, residue mobility, and thermodynamic stability) performed at Invitae indicates that this missense variant is not expected to disrupt GLI3 protein function. This variant has not been reported in the literature in individuals affected with GLI3-related conditions. This variant is not present in population databases (gnomAD no frequency). This sequence change replaces arginine, which is basic and polar, with lysine, which is basic and polar, at codon 767 of the GLI3 protein (p.Arg767Lys).

NM_000168.6(GLI3):c.2300G>A (p.Arg767Lys)

Gene: GLI3 (GLI family zinc finger 3; minus strand). Cytogenetic location: 7p14.1.
Variant type: single nucleotide variant.
Coding change: c.2300G>A on transcript NM_000168.6 (MANE Select); coding-DNA position 2300, G replaced by A.
Protein change: p.Arg767Lys; replaces arginine 767 with lysine.
Molecular consequence: missense variant.
Genome position (GRCh38, 1-based): chr7:41,967,727, C>T on the plus strand (G>A on the coding strand, the complement: GLI3 is on the minus strand). VCF-style: chr7-41967727-C-T. GRCh37 (hg19) VCF-style: chr7-42007325-C-T.
Other names: short protein forms R767K.
Identifiers: ClinVar variation 2925396 (VCV002925396.3), dbSNP rs2128707025, ClinGen allele CA367321381.
Genomic context (GRCh38, chr7:41,967,727, plus strand): 5'-TTCACTTGTTTTAGCCTTTCTAGTTTTACGTGCTCCATCCATTTGGTCCCTGCCGGGTTT[C>T]TCCTGGCTTGCAAAGCAAGGGCTGTGGTTGCAGTGGAAATGGTTGAGTCCATGATTGGGG-3'
Protein context (NP_000159.3, residues 757-777): ATTALALQAR[Arg767Lys]NPAGTKWMEH